The following is an entry in ClinVar:

NM_000059.4(BRCA2):c.9789G>T (p.Lys3263Asn)

Gene: BRCA2 (BRCA2 DNA repair associated; plus strand). Cytogenetic location: 13q13.1.
Variant type: single nucleotide variant.
Coding change: c.9789G>T on transcript NM_000059.4 (MANE Select); coding-DNA position 9789, G replaced by T.
Protein change: p.Lys3263Asn; replaces lysine 3263 with asparagine.
Molecular consequence: missense variant.
Genome position (GRCh38, 1-based): chr13:32,398,302, G>T. VCF-style: chr13-32398302-G-T. GRCh37 (hg19) VCF-style: chr13-32972439-G-T.
Other names: short protein forms K3263N.
Identifiers: ClinVar variation 531428 (VCV000531428.9), dbSNP rs1555289960, ClinGen allele CA387765997.

ClinVar aggregate classification (germline): Uncertain significance (1 of 4 stars; one submission).

Conditions:
Hereditary breast ovarian cancer syndrome. Also called: Hereditary breast and ovarian cancer syndrome (HBOC); BRCA1- and BRCA2-Associated Hereditary Breast and Ovarian Cancer; Hereditary breast and ovarian cancer syndrome; Breast and ovarian cancer; Hereditary breast and ovarian cancer; Hereditary breast and/or ovarian cancer syndrome. Identifiers: Orphanet 145, MedGen C0677776, MeSH D061325, MONDO:0003582. Disease mechanism: loss of function.

Submission:

Labcorp Genetics (formerly Invitae), Labcorp
Classification: Uncertain significance for Hereditary breast ovarian cancer syndrome. Last evaluated: 2017-08-13. Review status: criteria provided, single submitter. Criteria: Invitae Variant Classification Sherloc (09022015). Collection method: clinical testing. Allele origin: germline.
Comment: In summary, the available evidence is currently insufficient to determine the role of this variant in disease. Therefore, it has been classified as a Variant of Uncertain Significance. Algorithms developed to predict the effect of missense changes on protein structure and function do not agree on the potential impact of this missense change (SIFT: "Deleterious"; PolyPhen-2: "Probably Damaging"; Align-GVGD: "Class C0"). This variant has not been reported in the literature in individuals with BRCA2-related disease. This variant is not present in population databases (ExAC no frequency). This sequence change replaces lysine with asparagine at codon 3263 of the BRCA2 protein (p.Lys3263Asn). The lysine residue is moderately conserved and there is a moderate physicochemical difference between lysine and asparagine.